The following is an entry in ClinVar:

NM_014727.3(KMT2B):c.1723del (p.Gln575fs)

Gene: KMT2B (lysine methyltransferase 2B; plus strand). Cytogenetic location: 19q13.12.
Variant type: Deletion.
Coding change: c.1723del on transcript NM_014727.3 (MANE Select); coding-DNA position 1723, one base deleted (C; older notation c.1723delC).
Protein change: p.Gln575fs; shifts the reading frame from glutamine 575.
Molecular consequence: frameshift variant.
Genome position (GRCh38, 1-based): chr19:35,721,070, C deleted; the last of 4 consecutive C bases (chr19:35,721,067-35,721,070); deleting any one gives the same sequence. VCF-style (leftmost placement, unchanged base first): chr19-35721066-TC-T. GRCh37 (hg19) VCF-style: chr19-36211968-TC-T.
Other names: short protein forms Q575fs.
Identifiers: ClinVar variation 2027897 (VCV002027897.4), dbSNP rs2513316153, ClinGen allele CA2580096831.

ClinVar aggregate classification (germline): Pathogenic (1 of 4 stars; one submission).

Submission:

Labcorp Genetics (formerly Invitae), Labcorp
Classification: Pathogenic. Last evaluated: 2022-08-30. Review status: criteria provided, single submitter. Criteria: Invitae Variant Classification Sherloc (09022015). Collection method: clinical testing. Allele origin: germline.
Comment: For these reasons, this variant has been classified as Pathogenic. This variant has not been reported in the literature in individuals affected with KMT2B-related conditions. This variant is not present in population databases (gnomAD no frequency). This sequence change creates a premature translational stop signal (p.Gln575Argfs*30) in the KMT2B gene. It is expected to result in an absent or disrupted protein product. Loss-of-function variants in KMT2B are known to be pathogenic (PMID: 27839873, 27992417).

Literature cited by the submitters: PubMed 27839873; PubMed 27992417.